The following is an entry in ClinVar:

NM_002900.3(RBP3):c.863C>A (p.Pro288His)

Gene: RBP3 (retinol binding protein 3; plus strand). Cytogenetic location: 10q11.22.
Variant type: single nucleotide variant.
Coding change: c.863C>A on transcript NM_002900.3 (MANE Select); coding-DNA position 863, C replaced by A.
Protein change: p.Pro288His; replaces proline 288 with histidine.
Molecular consequence: missense variant.
Genome position (GRCh38, 1-based): chr10:47,349,347, C>A. VCF-style: chr10-47349347-C-A. GRCh37 (hg19) VCF-style: chr10-48390015-G-T.
Other names: short protein forms P288H.
Identifiers: ClinVar variation 431852 (VCV000431852.10), dbSNP rs917821437, ClinGen allele CA376666972.

ClinVar aggregate classification (germline): Conflicting classifications of pathogenicity. Review status: criteria provided, conflicting classifications (1 of 4 stars). 2 submissions from 2 submitters: Likely pathogenic (1); Uncertain significance (1). Last evaluated 2022-12-06.

Allele frequency attached by ClinVar (database versions not stated): gnomAD 0.00001; TOPMed below 0.00001.
gnomAD v4.1: 8 of 1,612,358 alleles (0.0005%); highest among the groups gnomAD compares: Non-Finnish European, 0.00068%; no homozygotes.

Submissions (2):

Labcorp Genetics (formerly Invitae), Labcorp
Classification: Uncertain significance. Last evaluated: 2022-12-06. Review status: criteria provided, single submitter. Criteria: Invitae Variant Classification Sherloc (09022015). Collection method: clinical testing. Allele origin: germline.
Comment: This variant has not been reported in the literature in individuals affected with RBP3-related conditions. In summary, the available evidence is currently insufficient to determine the role of this variant in disease. Therefore, it has been classified as a Variant of Uncertain Significance. Algorithms developed to predict the effect of missense changes on protein structure and function (SIFT, PolyPhen-2, Align-GVGD) all suggest that this variant is likely to be disruptive. ClinVar contains an entry for this variant (Variation ID: 431852). This variant is present in population databases (no rsID available, gnomAD 0.01%). This sequence change replaces proline, which is neutral and non-polar, with histidine, which is basic and polar, at codon 288 of the RBP3 protein (p.Pro288His).

GeneDx
Classification: Likely pathogenic. Last evaluated: 2015-04-30. Review status: criteria provided, single submitter. Criteria: GeneDx Variant Classification (06012015). Collection method: clinical testing. Allele origin: germline. Affected: yes.
Comment: The P288H variant in the RBP3 gene has not been published as a pathogenic variant, nor has it been reported as a benign polymorphism to our knowledge. The P288H variant was not observed in approximately 6,500 individuals of European and African American ancestry in the NHLBI Exome Sequencing Project, indicating it is not a common benign variant in these populations. The P288H variant is a non-conservative amino acid substitution, which is likely to impact secondary protein structure as these residues differ in polarity, charge, size and/or other properties. This substitution occurs at a position that is conserved across species. In silico analysis predicts this variant is probably damaging to the protein structure/function. The P288H variant is a strong candidate for a pathogenic variant, however the possibility it may be a rare benign variant cannot be excluded.